The following is an entry in ClinVar:

ClinVar aggregate classification (germline): Uncertain significance (1 of 4 stars; one submission).

Conditions:
Ellis-van Creveld syndrome (EVC). Also called: EVC-Related Ellis-van Creveld Syndrome; EVC2-Related Ellis-van Creveld Syndrome; MESOECTODERMAL DYSPLASIA; Chondroectodermal dysplasia. Identifiers: Orphanet 289, MedGen C0013903, MONDO:0009162, OMIM 225500.
Curry-Hall syndrome (WAD). Also called: WEYERS ACRODENTAL DYSOSTOSIS. Identifiers: Orphanet 952, MedGen C0457013, MONDO:0008673, OMIM 193530.

Allele frequency attached by ClinVar (database versions not stated): gnomAD exomes below 0.00001.
gnomAD v4.1: 1 of 1,614,196 alleles (0.000062%); highest among the groups gnomAD compares: South Asian, 0.0011%; no homozygotes.

Submission:

Labcorp Genetics (formerly Invitae), Labcorp
Classification: Uncertain significance for Curry-Hall syndrome; Ellis-van Creveld syndrome. Last evaluated: 2022-07-14. Review status: criteria provided, single submitter. Criteria: Invitae Variant Classification Sherloc (09022015). Collection method: clinical testing. Allele origin: germline.
Comment: This sequence change replaces leucine, which is neutral and non-polar, with proline, which is neutral and non-polar, at codon 505 of the EVC2 protein (p.Leu505Pro). This variant is not present in population databases (gnomAD no frequency). This variant has not been reported in the literature in individuals affected with EVC2-related conditions. Algorithms developed to predict the effect of missense changes on protein structure and function are either unavailable or do not agree on the potential impact of this missense change (SIFT: "Deleterious"; PolyPhen-2: "Probably Damaging"; Align-GVGD: "Class C15"). In summary, the available evidence is currently insufficient to determine the role of this variant in disease. Therefore, it has been classified as a Variant of Uncertain Significance.

NM_147127.5(EVC2):c.1514T>C (p.Leu505Pro)

Gene: EVC2 (EvC ciliary complex subunit 2; minus strand). Cytogenetic location: 4p16.2.
Variant type: single nucleotide variant.
Coding change: c.1514T>C on transcript NM_147127.5 (MANE Select); coding-DNA position 1514, T replaced by C.
Protein change: p.Leu505Pro; replaces leucine 505 with proline.
Molecular consequence: missense variant.
Genome position (GRCh38, 1-based): chr4:5,631,989, A>G on the plus strand (T>C on the coding strand, the complement: EVC2 is on the minus strand). VCF-style: chr4-5631989-A-G. GRCh37 (hg19) VCF-style: chr4-5633716-A-G.
Other names: c.1274T>C, p.Leu425Pro (NM_001166136.2); short protein forms L505P, L425P.
Identifiers: ClinVar variation 2171760 (VCV002171760.1), dbSNP rs2475407711, ClinGen allele CA356149517.
Genomic context (GRCh38, chr4:5,631,989, plus strand): 5'-GCTTTGGCAAAGTCTTCTTCTTGTTGCAAAGCGAGAGACTTCCTCAAGTGCTCCTGTTCC[A>G]GGCCATGGAGGGTCCGCAGAAGGTTGCTGCACTCTACAGCAGACTGGAGAGAGGAAAGGG-3'
Protein context (NP_667338.3, residues 495-515): CSNLLRTLHG[Leu505Pro]EQEHLRKSLA